The following is an entry in ClinVar:

ClinVar aggregate classification (germline): Uncertain significance (1 of 4 stars; one submission).

Conditions:
Hereditary cancer-predisposing syndrome. Also called: Neoplastic Syndromes, Hereditary; Tumor predisposition; Hereditary neoplastic syndrome; Hereditary Cancer Syndrome. Identifiers: Orphanet 140162, MedGen C0027672, MeSH D009386, MONDO:0015356.

gnomAD v4.1: 1 of 1,582,176 alleles (0.000063%); highest among the groups gnomAD compares: Non-Finnish European, 0.000086%; no homozygotes.

Submission:

Ambry Genetics
Classification: Uncertain significance for Hereditary cancer-predisposing syndrome. Last evaluated: 2026-07-06. Review status: criteria provided, single submitter. Criteria: Ambry Variant Classification Scheme 2023. Collection method: clinical testing. Allele origin: germline.
Comment: The p.P16Q variant (also known as c.47C>A), located in coding exon 1 of the SUFU gene, results from a C to A substitution at nucleotide position 47. The proline at codon 16 is replaced by glutamine, an amino acid with similar properties. This amino acid position is conserved. In addition, the in silico prediction for this alteration is inconclusive. Based on the available evidence, the clinical significance of this variant remains unclear.

NM_016169.4(SUFU):c.47C>A (p.Pro16Gln)

Genes: SUFU (SUFU negative regulator of hedgehog signaling; plus strand), LOC130004614 (ATAC-STARR-seq lymphoblastoid silent region 2764; plus strand). Cytogenetic location: 10q24.32.
Variant type: single nucleotide variant.
Coding change: c.47C>A on transcript NM_016169.4 (MANE Select); coding-DNA position 47, C replaced by A.
Protein change: p.Pro16Gln; replaces proline 16 with glutamine.
Molecular consequence: missense variant.
Genome position (GRCh38, 1-based): chr10:102,504,199, C>A. VCF-style: chr10-102504199-C-A. GRCh37 (hg19) VCF-style: chr10-104263956-C-A.
Other names: c.47C>A, p.Pro16Gln (NM_001178133.2); short protein forms P16Q.
Identifiers: ClinVar variation 5030369 (VCV005030369.1).
Genomic context (GRCh38, chr10:102,504,199, plus strand): 5'-CCCTACGCACCCCGATGGCGGAGCTGCGGCCTAGCGGCGCCCCCGGCCCCACCGCGCCCC[C>A]GGCCCCTGGCCCGACTGCCCCCCCGGCCTTCGCTTCGCTCTTTCCCCCGGGACTGCACGC-3'
Protein context (NP_057253.2, residues 6-26): PSGAPGPTAP[Pro16Gln]APGPTAPPAF